The following is an entry in ClinVar:

NM_000836.4(GRIN2D):c.3925A>G (p.Thr1309Ala)

Gene: GRIN2D (glutamate ionotropic receptor NMDA type subunit 2D; plus strand). Cytogenetic location: 19q13.33.
Variant type: single nucleotide variant.
Coding change: c.3925A>G on transcript NM_000836.4 (MANE Select); coding-DNA position 3925, A replaced by G.
Protein change: p.Thr1309Ala; replaces threonine 1309 with alanine.
Molecular consequence: missense variant.
Genome position (GRCh38, 1-based): chr19:48,443,851, A>G. VCF-style: chr19-48443851-A-G. GRCh37 (hg19) VCF-style: chr19-48947108-A-G.
Other names: short protein forms T1309A.
Identifiers: ClinVar variation 1474568 (VCV001474568.8), dbSNP rs946179743, ClinGen allele CA309299618.

ClinVar aggregate classification (germline): Uncertain significance (1 of 4 stars; one submission).

Allele frequency attached by ClinVar (database versions not stated): TOPMed 0.00003; gnomAD exomes below 0.00001; gnomAD 0.00001.

Submission:

Labcorp Genetics (formerly Invitae), Labcorp
Classification: Uncertain significance. Last evaluated: 2025-04-01. Review status: criteria provided, single submitter. Criteria: Invitae Variant Classification Sherloc (09022015). Collection method: clinical testing. Allele origin: germline.
Comment: This sequence change replaces threonine, which is neutral and polar, with alanine, which is neutral and non-polar, at codon 1309 of the GRIN2D protein (p.Thr1309Ala). This variant is present in population databases (no rsID available, gnomAD 0.01%). This variant has not been reported in the literature in individuals affected with GRIN2D-related conditions. ClinVar contains an entry for this variant (Variation ID: 1474568). Invitae Evidence Modeling of protein sequence and biophysical properties (such as structural, functional, and spatial information, amino acid conservation, physicochemical variation, residue mobility, and thermodynamic stability) indicates that this missense variant is not expected to disrupt GRIN2D protein function with a negative predictive value of 95%. In summary, the available evidence is currently insufficient to determine the role of this variant in disease. Therefore, it has been classified as a Variant of Uncertain Significance.